The following is an entry in ClinVar:

ClinVar aggregate classification (germline): Uncertain significance (1 of 4 stars; one submission).

Conditions:
Leigh syndrome (NULS). Also called: Leigh's necrotizing encephalopathy; Leigh's disease; Leigh's syndrome; LEIGH SYNDROME, NUCLEAR; Leigh Syndrome (mtDNA deletion); Leigh Disease. Identifiers: Orphanet 506, MedGen C2931891, MONDO:0009723, OMIM 256000.

Submission:

Wong Mito Lab, Molecular and Human Genetics, Baylor College of Medicine
Classification: Uncertain significance for Leigh syndrome. Last evaluated: 2019-10-17. Review status: criteria provided, single submitter. Criteria: Modified ACMG Guidelines (Unpublished). Collection method: clinical testing. Allele origin: germline.
Comment: The NC_012920.1:m.13616T>C (YP_003024036.1:p.Ile427Thr) variant in MTND5 gene is interpretated to be a Uncertain Significance variant based on the modified ACMG guidelines (unpublished). This variant meets the following evidence codes: PP7

NC_012920.1(MT-ND5):m.13616T>C

Gene: MT-ND5 (mitochondrially encoded NADH dehydrogenase 5; plus strand).
Variant type: single nucleotide variant.
Genome position: chrM-13616-T-C.
Identifiers: ClinVar variation 693581 (VCV000693581.1), dbSNP rs1603224267, ClinGen allele CA414818776.